The following is an entry in ClinVar:

NM_198428.3(BBS9):c.2533A>G (p.Thr845Ala)

Gene: BBS9 (Bardet-Biedl syndrome 9; plus strand). Cytogenetic location: 7p14.3.
Variant type: single nucleotide variant.
Coding change: c.2533A>G on transcript NM_198428.3 (MANE Select); coding-DNA position 2533, A replaced by G.
Protein change: p.Thr845Ala; replaces threonine 845 with alanine.
Molecular consequence: missense variant. On other transcripts: non-coding transcript variant (3), intron variant (1).
Genome position (GRCh38, 1-based): chr7:33,604,876, A>G. VCF-style: chr7-33604876-A-G. GRCh37 (hg19) VCF-style: chr7-33644488-A-G.
Other names: c.2533A>G (NM_198428.2); c.2428A>G, p.Thr810Ala (NM_001033604.2); c.2518A>G, p.Thr840Ala (NM_001033605.2); c.2533A>G, p.Thr845Ala (NM_001348036.1, NM_001348041.4, NM_001348043.3); c.1984A>G, p.Thr662Ala (NM_001348037.3); c.2260A>G, p.Thr754Ala (NM_001348038.3); c.2155A>G, p.Thr719Ala (NM_001348039.3); c.2413A>G, p.Thr805Ala (NM_001348040.3, NM_014451.4); and 4 more; short protein forms T723A, T688A, T800A, T805A, T810A, T845A, T719A, T754A.
Identifiers: ClinVar variation 1399407 (VCV001399407.5), dbSNP rs545725547, ClinGen allele CA4214727.

ClinVar aggregate classification (germline): Uncertain significance. Review status: criteria provided, multiple submitters, no conflicts (2 of 4 stars). 3 submissions from 3 submitters: Uncertain significance (2). 1 of the submissions does not count toward it. Last evaluated 2022-06-27.

Conditions:
BBS9-related disorder. Also called: BBS9-related condition.
Bardet-Biedl syndrome (BBS). Identifiers: Orphanet 110, MedGen C0752166, MONDO:0015229.
Bardet-Biedl syndrome 9 (BBS9). Identifiers: Orphanet 110, MedGen C1859567, MONDO:0014437, OMIM 615986.

Allele frequency attached by ClinVar (database versions not stated): ExAC 0.00001; gnomAD 0.00001; gnomAD exomes 0.00001; TOPMed 0.00001; 1000 Genomes Project 30x 0.00016; 1000 Genomes Project 0.00020.
gnomAD v4.1: 5 of 1,611,450 alleles (0.00031%); highest among the groups gnomAD compares: East Asian, 0.0045%; no homozygotes.

Submissions (3):

Labcorp Genetics (formerly Invitae), Labcorp
Classification: Uncertain significance for Bardet-Biedl syndrome. Last evaluated: 2022-06-27. Review status: criteria provided, single submitter. Criteria: Invitae Variant Classification Sherloc (09022015). Collection method: clinical testing. Allele origin: germline.
Comment: This sequence change replaces threonine, which is neutral and polar, with alanine, which is neutral and non-polar, at codon 845 of the BBS9 protein (p.Thr845Ala). This variant is present in population databases (rs545725547, gnomAD 0.0009%). This variant has not been reported in the literature in individuals affected with BBS9-related conditions. Algorithms developed to predict the effect of missense changes on protein structure and function are either unavailable or do not agree on the potential impact of this missense change (SIFT: "Deleterious"; PolyPhen-2: "Benign"; Align-GVGD: "Class C0"). In summary, the available evidence is currently insufficient to determine the role of this variant in disease. Therefore, it has been classified as a Variant of Uncertain Significance.

Fulgent Genetics
Classification: Uncertain significance for Bardet-Biedl syndrome 9. Last evaluated: 2021-11-30. Review status: criteria provided, single submitter. Criteria: ACMG Guidelines, 2015. Collection method: clinical testing. Allele origin: unknown.

PreventionGenetics, part of Exact Sciences
Classification: Uncertain significance for BBS9-related condition. Last evaluated: 2024-02-02. Review status: no assertion criteria provided. Collection method: clinical testing. Allele origin: germline. Not counted in ClinVar's aggregate classification.
Comment: The BBS9 c.2533A>G variant is predicted to result in the amino acid substitution p.Thr845Ala. To our knowledge, this variant has not been reported in the literature. This variant is reported in 0.0055% of alleles in individuals of East Asian descent in gnomAD. At this time, the clinical significance of this variant is uncertain due to the absence of conclusive functional and genetic evidence.